The following is an entry in ClinVar:

ClinVar aggregate classification (germline): Uncertain significance. Review status: criteria provided, multiple submitters, no conflicts (2 of 4 stars). 2 submissions from 2 submitters: Uncertain significance (2). Last evaluated 2021-11-17.

Conditions:
Imerslund-Grasbeck syndrome. Also called: PERNICIOUS ANEMIA, JUVENILE, DUE TO SELECTIVE INTESTINAL MALABSORPTION OF VITAMIN B12, WITH PROTEINURIA; Megaloblastic anemia due to inborn errors of metabolism; Imerslund-Gräsbeck syndrome; ENTEROCYTE COBALAMIN MALABSORPTION; ENTEROCYTE INTRINSIC FACTOR RECEPTOR, DEFECT OF. Identifiers: Orphanet 35858, MedGen C4551825, MONDO:0009853.
Inborn genetic diseases. Identifiers: MedGen C0950123, MeSH D030342.

Allele frequency attached by ClinVar (database versions not stated): gnomAD exomes 0.00001; gnomAD 0.00003 and 0.00004; ExAC 0.00002; ESP Exome Variant Server 0.00015.
gnomAD v4.1: 45 of 1,614,084 alleles (0.0028%); highest among the groups gnomAD compares: African/African-American, 0.008%; no homozygotes.

Submissions (2):

Labcorp Genetics (formerly Invitae), Labcorp
Classification: Uncertain significance for Imerslund-Grasbeck syndrome. Last evaluated: 2021-11-17. Review status: criteria provided, single submitter. Criteria: Invitae Variant Classification Sherloc (09022015). Collection method: clinical testing. Allele origin: germline.
Comment: In summary, the available evidence is currently insufficient to determine the role of this variant in disease. Therefore, it has been classified as a Variant of Uncertain Significance. Algorithms developed to predict the effect of missense changes on protein structure and function are either unavailable or do not agree on the potential impact of this missense change (SIFT: "Tolerated"; PolyPhen-2: "Possibly Damaging"; Align-GVGD: "Class C0"). This variant has not been reported in the literature in individuals affected with CUBN-related conditions. This variant is present in population databases (rs147373223, gnomAD 0.007%). This sequence change replaces histidine, which is basic and polar, with arginine, which is basic and polar, at codon 1434 of the CUBN protein (p.His1434Arg).

Ambry Genetics
Classification: Uncertain significance for Inborn genetic diseases. Last evaluated: 2021-10-22. Review status: criteria provided, single submitter. Criteria: Ambry Variant Classification Scheme 2023. Collection method: clinical testing. Allele origin: germline.

NM_001081.4(CUBN):c.4301A>G (p.His1434Arg)

Gene: CUBN (cubilin; minus strand). Cytogenetic location: 10p13.
Variant type: single nucleotide variant.
Coding change: c.4301A>G on transcript NM_001081.4 (MANE Select); coding-DNA position 4301, A replaced by G.
Protein change: p.His1434Arg; replaces histidine 1434 with arginine.
Molecular consequence: missense variant.
Genome position (GRCh38, 1-based): chr10:16,990,383, T>C on the plus strand (A>G on the coding strand, the complement: CUBN is on the minus strand). VCF-style: chr10-16990383-T-C. GRCh37 (hg19) VCF-style: chr10-17032382-T-C.
Other names: c.4301A>G (NM_001081.3); short protein forms H1434R.
Identifiers: ClinVar variation 1438431 (VCV001438431.7), dbSNP rs147373223, ClinGen allele CA5424430.